The following is an entry in ClinVar:

NM_007294.4(BRCA1):c.1728_1731del (p.Lys576fs)

Gene: BRCA1 (BRCA1 DNA repair associated; minus strand). Cytogenetic location: 17q21.31.
Variant type: Deletion.
Coding change: c.1728_1731del on transcript NM_007294.4 (MANE Select); coding-DNA positions 1728 to 1731, 4 bases deleted (AGAA; older notation c.1728_1731delAGAA).
Protein change: p.Lys576fs; shifts the reading frame from lysine 576.
Molecular consequence: frameshift variant. On other transcripts: intron variant (137).
Genome position (GRCh38, 1-based): chr17:43,093,800-43,093,803, TTCT deleted on the plus strand (AGAA on the coding strand, the reverse complement: BRCA1 is on the minus strand); deleting any 4 consecutive bases within chr17:43,093,800-43,093,805 gives the same sequence; the c. name uses the placement nearest the transcript's 3' end. VCF-style (leftmost placement, unchanged base first): chr17-43093799-ATTCT-A. GRCh37 (hg19) VCF-style: chr17-41245816-ATTCT-A.
Other names: c.1515_1518del, p.Lys505fs (NM_001407571.1, NM_001407853.1, NM_001407894.1 and 9 more transcripts); c.1728_1731del, p.Lys576fs (NM_001407581.1, NM_001407582.1, NM_001407583.1 and 30 more transcripts); c.1725_1728del, p.Lys575fs (NM_001407587.1, NM_001407590.1, NM_001407591.1 and 22 more transcripts); c.1728_1731delAGAA (NM_007294.3); c.1719_1722del, p.Lys573fs (NM_001407646.1, NM_001407647.1); c.1605_1608del, p.Lys535fs (NM_001407648.1, NM_001407664.1, NM_001407665.1 and 19 more transcripts); c.1602_1605del, p.Lys534fs (NM_001407649.1, NM_001407670.1, NM_001407671.1 and 11 more transcripts); c.1650_1653del, p.Lys550fs (NM_001407653.1, NM_001407654.1, NM_001407655.1 and 4 more transcripts); and 41 more; short protein forms K529fs, K576fs, K408fs, K448fs, K449fs, K505fs, K573fs, K280fs.
Identifiers: ClinVar variation 1072154 (VCV001072154.19), dbSNP rs2154427544, ClinGen allele CA2499224534.

ClinVar aggregate classification (germline): Pathogenic/Likely pathogenic. Review status: criteria provided, multiple submitters, no conflicts (2 of 4 stars). 3 submissions from 3 submitters: Pathogenic (2); Likely pathogenic (1). Last evaluated 2025-05-25.

Conditions:
Breast-ovarian cancer, familial, susceptibility to, 1 (BROVCA1). Also called: OVARIAN CANCER, SUSCEPTIBILITY TO; BRCA1 Hereditary Breast and Ovarian Cancer. Identifiers: Orphanet 145, MedGen C2676676, MONDO:0011450, OMIM 604370. Disease mechanism: loss of function.
Hereditary breast ovarian cancer syndrome. Also called: Hereditary breast and ovarian cancer syndrome (HBOC); Breast and ovarian cancer; Hereditary breast and ovarian cancer syndrome; Hereditary breast and/or ovarian cancer syndrome; Hereditary breast and ovarian cancer; BRCA1- and BRCA2-Associated Hereditary Breast and Ovarian Cancer. Identifiers: Orphanet 145, MedGen C0677776, MeSH D061325, MONDO:0003582. Disease mechanism: loss of function.
Hereditary cancer-predisposing syndrome. Also called: Hereditary neoplastic syndrome; Neoplastic Syndromes, Hereditary; Tumor predisposition; Hereditary Cancer Syndrome. Identifiers: Orphanet 140162, MedGen C0027672, MeSH D009386, MONDO:0015356.

Submissions (3):

Ambry Genetics
Classification: Pathogenic for Hereditary cancer-predisposing syndrome. Last evaluated: 2025-05-25. Review status: criteria provided, single submitter. Criteria: Ambry Variant Classification Scheme 2023. Collection method: clinical testing. Allele origin: germline.
Comment: The c.1728_1731delAGAA pathogenic mutation, located in coding exon 9 of the BRCA1 gene, results from a deletion of 4 nucleotides at nucleotide positions 1728 to 1731, causing a translational frameshift with a predicted alternate stop codon (p.K576Nfs*11). This variant is considered to be rare based on population cohorts in the Genome Aggregation Database (gnomAD). This alteration is expected to result in loss of function by premature protein truncation or nonsense-mediated mRNA decay. As such, this alteration is interpreted as a disease-causing mutation.

Baylor Genetics
Classification: Likely pathogenic for Breast-ovarian cancer, familial, susceptibility to, 1. Last evaluated: 2024-01-25. Review status: criteria provided, single submitter. Criteria: ACMG Guidelines, 2015. Collection method: clinical testing. Allele origin: unknown.

Labcorp Genetics (formerly Invitae), Labcorp
Classification: Pathogenic for Hereditary breast ovarian cancer syndrome. Last evaluated: 2020-02-24. Review status: criteria provided, single submitter. Criteria: Invitae Variant Classification Sherloc (09022015). Collection method: clinical testing. Allele origin: germline.
Comment: For these reasons, this variant has been classified as Pathogenic. Loss-of-function variants in BRCA1 are known to be pathogenic (PMID: 20104584). This variant has not been reported in the literature in individuals with BRCA1-related conditions. This variant is not present in population databases (ExAC no frequency). This sequence change creates a premature translational stop signal (p.Lys576Asnfs*11) in the BRCA1 gene. It is expected to result in an absent or disrupted protein product.

Literature cited by the submitters: PubMed 20104584 (cited by Labcorp Genetics (formerly Invitae), Labcorp).